The following is an entry in ClinVar:

NM_000342.4(SLC4A1):c.753_757dup (p.Leu253fs)

Gene: SLC4A1 (solute carrier family 4 member 1 (Diego blood group); minus strand). Cytogenetic location: 17q21.31.
Variant type: Duplication.
Coding change: c.753_757dup on transcript NM_000342.4 (MANE Select); coding-DNA positions 753 to 757, 5 bases duplicated (GGAGC; older notation c.753_757dupGGAGC).
Protein change: p.Leu253fs; shifts the reading frame from leucine 253.
Molecular consequence: frameshift variant.
Genome position (GRCh38, 1-based): chr17:44,259,282-44,259,286, GCTCC duplicated on the plus strand (GGAGC on the coding strand, the reverse complement: SLC4A1 is on the minus strand); duplicating any 5 consecutive bases within chr17:44,259,282-44,259,289 gives the same sequence; the c. name uses the placement nearest the transcript's 3' end. VCF-style (leftmost placement, unchanged base first): chr17-44259281-A-AGCTCC. GRCh37 (hg19) VCF-style: chr17-42336649-A-AGCTCC.
Other names: short protein forms L253fs.
Identifiers: ClinVar variation 2761633 (VCV002761633.3), dbSNP rs2509968558, ClinGen allele CA2697559953.

ClinVar aggregate classification (germline): Pathogenic (1 of 4 stars; one submission).

Submission:

Labcorp Genetics (formerly Invitae), Labcorp
Classification: Pathogenic. Last evaluated: 2023-09-19. Review status: criteria provided, single submitter. Criteria: Invitae Variant Classification Sherloc (09022015). Collection method: clinical testing. Allele origin: germline.
Comment: This sequence change creates a premature translational stop signal (p.Leu253Argfs*46) in the SLC4A1 gene. It is expected to result in an absent or disrupted protein product. Loss-of-function variants in SLC4A1 are known to be pathogenic (PMID: 8943874, 10926824, 23255290). This variant is not present in population databases (gnomAD no frequency). This variant has not been reported in the literature in individuals affected with SLC4A1-related conditions. For these reasons, this variant has been classified as Pathogenic.

Literature cited by the submitters: PubMed 8943874; PubMed 10926824; PubMed 23255290.